The following is an entry in ClinVar:

ClinVar aggregate classification (germline): Uncertain significance (1 of 4 stars; one submission).

Conditions:
Fanconi anemia (FA). Also called: Fanconi's anemia. Identifiers: Orphanet 84, MedGen C0015625, MeSH D005199, MONDO:0019391.

Submission:

Labcorp Genetics (formerly Invitae), Labcorp
Classification: Uncertain significance for Fanconi anemia. Last evaluated: 2024-10-07. Review status: criteria provided, single submitter. Criteria: Invitae Variant Classification Sherloc (09022015). Collection method: clinical testing. Allele origin: germline.
Comment: This sequence change falls in intron 15 of the FANCM gene. It does not directly change the encoded amino acid sequence of the FANCM protein. It affects a nucleotide within the consensus splice site. This variant is not present in population databases (gnomAD no frequency). This variant has not been reported in the literature in individuals affected with FANCM-related conditions. Variants that disrupt the consensus splice site are a relatively common cause of aberrant splicing (PMID: 17576681, 9536098). Algorithms developed to predict the effect of sequence changes on RNA splicing suggest that this variant is not likely to affect RNA splicing. In summary, the available evidence is currently insufficient to determine the role of this variant in disease. Therefore, it has been classified as a Variant of Uncertain Significance.

Literature cited by the submitters: PubMed 17576681; PubMed 9536098.

NM_020937.4(FANCM):c.4317+6T>A

Gene: FANCM (FA complementation group M; plus strand). Cytogenetic location: 14q21.2.
Variant type: single nucleotide variant.
Coding change: c.4317+6T>A on transcript NM_020937.4 (MANE Select); 6 bases into the intron after coding-DNA position 4317, T replaced by A.
Molecular consequence: intron variant.
Genome position (GRCh38, 1-based): chr14:45,181,530, T>A. VCF-style: chr14-45181530-T-A. GRCh37 (hg19) VCF-style: chr14-45650733-T-A.
Other names: c.4239+6T>A (NM_001308133.2).
Identifiers: ClinVar variation 3682819 (VCV003682819.2).